The following is an entry in ClinVar:

ClinVar aggregate classification (germline): Benign. Review status: criteria provided, multiple submitters, no conflicts (2 of 4 stars). 2 submissions from 2 submitters: Benign (2). Last evaluated 2018-01-13.

Conditions:
Retinitis pigmentosa (RP). Identifiers: Orphanet 791, MedGen C0035334, MeSH D012174, MONDO:0019200, OMIM 268000. Inheritance: Autosomal dominant, autosomal recessive and X linked inheritance.

Allele frequency attached by ClinVar (database versions not stated): gnomAD exomes 0.12385; gnomAD 0.31848 and 0.31909; TOPMed 0.33812; 1000 Genomes Project 0.36701; 1000 Genomes Project 30x 0.36743.
gnomAD v4.1: 48,571 of 152,394 alleles (32%); highest among the groups gnomAD compares: East Asian, 51%; 8,438 homozygotes.

Submissions (2):

Illumina Laboratory Services, Illumina
Classification: Benign for Retinitis pigmentosa. Last evaluated: 2018-01-13. Review status: criteria provided, single submitter. Criteria: ICSL Variant Classification Criteria 13 December 2019. Collection method: clinical testing. Allele origin: germline.
Comment: This variant was observed in the ICSL laboratory as part of a predisposition screen in an ostensibly healthy population. It had not been previously curated by ICSL or reported in the Human Gene Mutation Database (HGMD: prior to June 1st, 2018), and was therefore a candidate for classification through an automated scoring system. Utilizing variant allele frequency, disease prevalence and penetrance estimates, and inheritance mode, an automated score was calculated to assess if this variant is too frequent to cause the disease. Based on the score and internal cut-off values, a variant classified as benign is not then subjected to further curation. The score for this variant resulted in a classification of benign for this disease.

Breakthrough Genomics
Classification: Benign. Review status: criteria provided, single submitter. Criteria: ACMG Guidelines, 2015. Collection method: not provided. Allele origin: germline. Inheritance: Unknown mechanism. Affected: yes.

NM_001029883.3(PCARE):c.*1065A>G

Gene: PCARE (photoreceptor cilium actin regulator; minus strand). Cytogenetic location: 2p23.2.
Variant type: single nucleotide variant.
Coding change: c.*1065A>G on transcript NM_001029883.3 (MANE Select); 1065 bases downstream of the stop codon, A replaced by G.
Molecular consequence: 3 prime UTR variant.
Genome position (GRCh38, 1-based): chr2:29,063,804, T>C on the plus strand (A>G on the coding strand, the complement: PCARE is on the minus strand). VCF-style: chr2-29063804-T-C. GRCh37 (hg19) VCF-style: chr2-29286670-T-C.
Identifiers: ClinVar variation 335613 (VCV000335613.6), dbSNP rs17007529, ClinGen allele CA10613581.
Genomic context (GRCh38, chr2:29,063,804, plus strand): 5'-AGATCTGCAGCAAATATCTAGCTCATTGGCAGAAGCAGGTTTTTGGCATGAACAACTGTT[T>C]TTCACTTTGATTTCGACTCCAGCAGAAGTTCTGCAAGATGACCTGGGAATAAAGTTGGCC-3'